The following is an entry in ClinVar:

NM_001101376.3(CFAP144):c.298A>G (p.Ile100Val)

Gene: CFAP144 (cilia and flagella associated protein 144; plus strand). Cytogenetic location: 1p34.2.
Variant type: single nucleotide variant.
Coding change: c.298A>G on transcript NM_001101376.3 (MANE Select); coding-DNA position 298, A replaced by G.
Protein change: p.Ile100Val; replaces isoleucine 100 with valine.
Molecular consequence: missense variant.
Genome position (GRCh38, 1-based): chr1:43,156,206, A>G. VCF-style: chr1-43156206-A-G. GRCh37 (hg19) VCF-style: chr1-43621877-A-G.
Other names: c.298A>G (NM_001101376.2); short protein forms I100V.
Identifiers: ClinVar variation 1710363 (VCV001710363.4), dbSNP rs201490932, ClinGen allele CA803848.

ClinVar aggregate classification (germline): Conflicting classifications of pathogenicity. Review status: criteria provided, conflicting classifications (1 of 4 stars). 2 submissions from 2 submitters: Uncertain significance (1); Likely benign (1). Last evaluated 2022-08-18.

Allele frequency attached by ClinVar (database versions not stated): ExAC 0.00045; TOPMed 0.00047; gnomAD 0.00054; ESP Exome Variant Server 0.00097; gnomAD exomes 0.00099.
gnomAD v4.1: 1,493 of 1,613,608 alleles (0.093%); highest among the groups gnomAD compares: Non-Finnish European, 0.12%; 1 homozygote.

Submissions (2):

Greenwood Genetic Center Diagnostic Laboratories, Greenwood Genetic Center
Classification: Uncertain significance. Last evaluated: 2022-08-18. Review status: criteria provided, single submitter. Criteria: ACMG Guidelines, 2015. Collection method: clinical testing. Allele origin: germline. Affected: yes.
Comment: Gene of Uncertain Significance

Ambry Genetics
Classification: Likely benign. Last evaluated: 2022-02-03. Review status: criteria provided, single submitter. Criteria: Ambry Variant Classification Scheme 2023. Collection method: clinical testing. Allele origin: germline.